The following is an entry in ClinVar:

NM_016507.4(CDK12):c.829C>A (p.Pro277Thr)

Genes: CDK12 (cyclin dependent kinase 12; plus strand), LOC126862553 (CDK7 strongly-dependent group 2 enhancer GRCh37_chr17:37618166-37619365; plus strand). Cytogenetic location: 17q12.
Variant type: single nucleotide variant.
Coding change: c.829C>A on transcript NM_016507.4 (MANE Select); coding-DNA position 829, C replaced by A.
Protein change: p.Pro277Thr; replaces proline 277 with threonine.
Molecular consequence: missense variant.
Genome position (GRCh38, 1-based): chr17:39,462,900, C>A. VCF-style: chr17-39462900-C-A. GRCh37 (hg19) VCF-style: chr17-37619153-C-A.
Other names: c.829C>A, p.Pro277Thr (NM_015083.4); short protein forms P277T.
Identifiers: ClinVar variation 3830472 (VCV003830472.1).
Genomic context (GRCh38, chr17:39,462,900, plus strand): 5'-AGCAATTATGACTCCTACAAGAAAAGTCCTGGAAGTACCTCGAGAAGGCAGTCGGTCAGT[C>A]CCCCTTACAAGGAGCCTTCGGCCTACCAGTCCAGCACCCGGTCACCGAGCCCCTACAGTA-3'
Protein context (NP_057591.2, residues 267-287): GSTSRRQSVS[Pro277Thr]PYKEPSAYQS

ClinVar aggregate classification (germline): Uncertain significance (1 of 4 stars; one submission).

gnomAD v4.1: 15 of 1,614,168 alleles (0.00093%); highest among the groups gnomAD compares: Non-Finnish European, 0.0013%; no homozygotes.

Submission:

Ambry Genetics
Classification: Uncertain significance. Last evaluated: 2025-01-08. Review status: criteria provided, single submitter. Criteria: Ambry Variant Classification Scheme 2023. Collection method: clinical testing. Allele origin: germline.
Comment: The p.P277T variant (also known as c.829C>A), located in coding exon 1 of the CDK12 gene, results from a C to A substitution at nucleotide position 829. The proline at codon 277 is replaced by threonine, an amino acid with highly similar properties. This amino acid position is conserved. In addition, this alteration is predicted to be tolerated by in silico analysis. Based on the available evidence, the clinical significance of this variant remains unclear.